The following is an entry in ClinVar:

ClinVar aggregate classification (germline): Uncertain significance (1 of 4 stars; one submission).

Conditions:
Hereditary spastic paraplegia 8 (SPG8). Also called: SPASTIC PARAPLEGIA 8, AUTOSOMAL DOMINANT. Identifiers: Orphanet 100989, MedGen C1863704, MONDO:0011339, OMIM 603563.
Ritscher-Schinzel syndrome. Also called: CRANIOCEREBELLOCARDIAC DYSPLASIA. Identifiers: Orphanet 7, MedGen C0796137, MONDO:0019078.

Submission:

Labcorp Genetics (formerly Invitae), Labcorp
Classification: Uncertain significance for Ritscher-Schinzel syndrome; Hereditary spastic paraplegia 8. Last evaluated: 2025-02-19. Review status: criteria provided, single submitter. Criteria: Invitae Variant Classification Sherloc (09022015). Collection method: clinical testing. Allele origin: germline.
Comment: This sequence change replaces aspartic acid, which is acidic and polar, with glutamic acid, which is acidic and polar, at codon 1069 of the WASHC5 protein (p.Asp1069Glu). This variant is not present in population databases (gnomAD no frequency). This variant has not been reported in the literature in individuals affected with WASHC5-related conditions. ClinVar contains an entry for this variant (Variation ID: 2928009). Invitae Evidence Modeling of protein sequence and biophysical properties (such as structural, functional, and spatial information, amino acid conservation, physicochemical variation, residue mobility, and thermodynamic stability) indicates that this missense variant is not expected to disrupt WASHC5 protein function with a negative predictive value of 80%. In summary, the available evidence is currently insufficient to determine the role of this variant in disease. Therefore, it has been classified as a Variant of Uncertain Significance.

NM_014846.4(WASHC5):c.3207C>A (p.Asp1069Glu)

Genes: WASHC5 (WASH complex subunit 5; minus strand), LOC126860498 (P300/CBP strongly-dependent group 1 enhancer GRCh37_chr8:126043836-126045035; plus strand). Cytogenetic location: 8q24.13.
Variant type: single nucleotide variant.
Coding change: c.3207C>A on transcript NM_014846.4 (MANE Select); coding-DNA position 3207, C replaced by A.
Protein change: p.Asp1069Glu; replaces aspartic acid 1069 with glutamic acid.
Molecular consequence: missense variant.
Genome position (GRCh38, 1-based): chr8:125,032,369, G>T on the plus strand (C>A on the coding strand, the complement: WASHC5 is on the minus strand). VCF-style: chr8-125032369-G-T. GRCh37 (hg19) VCF-style: chr8-126044611-G-T.
Other names: c.2763C>A, p.Asp921Glu (NM_001330609.2); short protein forms D1069E, D921E.
Identifiers: ClinVar variation 2928009 (VCV002928009.3), dbSNP rs2537273218, ClinGen allele CA372182169.